The following is an entry in ClinVar:

ClinVar aggregate classification (germline): Benign/Likely benign. Review status: criteria provided, multiple submitters, no conflicts (2 of 4 stars). 4 submissions from 4 submitters: Benign (1); Likely benign (2). 1 of the submissions does not count toward it. Last evaluated 2024-11-01.

Conditions:
LPP-related disorder. Also called: LPP-related condition.

Allele frequency attached by ClinVar (database versions not stated): 1000 Genomes Project 0.00040; 1000 Genomes Project 30x 0.00062; TOPMed 0.00157; gnomAD 0.00164 and 0.00171; ESP Exome Variant Server 0.00208; ExAC 0.00231.
gnomAD v4.1: 4,142 of 1,613,940 alleles (0.26%); highest among the groups gnomAD compares: Non-Finnish European, 0.32%; 5 homozygotes.

Submissions (4):

CeGaT Center for Human Genetics Tuebingen
Classification: Benign. Last evaluated: 2024-11-01. Review status: criteria provided, single submitter. Criteria: CeGaT Center For Human Genetics Tuebingen Variant Classification Criteria Version 2. Collection method: clinical testing. Allele origin: germline. Affected: yes. Observed: 1 variant allele.
Comment: LPP: BS1, BS2

Labcorp Genetics (formerly Invitae), Labcorp
Classification: Likely benign. Last evaluated: 2018-08-17. Review status: criteria provided, single submitter. Criteria: Invitae Variant Classification Sherloc (09022015). Collection method: clinical testing. Allele origin: germline.

Breakthrough Genomics
Classification: Likely benign. Review status: criteria provided, single submitter. Criteria: ACMG Guidelines, 2015. Collection method: not provided. Allele origin: germline. Inheritance: Autosomal dominant inheritance. Affected: yes.

PreventionGenetics, part of Exact Sciences
Classification: Likely benign for LPP-related condition. Last evaluated: 2023-12-11. Review status: no assertion criteria provided. Collection method: clinical testing. Allele origin: germline. Not counted in ClinVar's aggregate classification.
Comment: This variant is classified as likely benign based on ACMG/AMP sequence variant interpretation guidelines (Richards et al. 2015 PMID: 25741868, with internal and published modifications).

NM_001375462.1(LPP):c.500C>T (p.Pro167Leu)

Gene: LPP (LIM domain containing preferred translocation partner in lipoma; plus strand). Cytogenetic location: 3q28.
Variant type: single nucleotide variant.
Coding change: c.500C>T on transcript NM_001375462.1 (MANE Select); coding-DNA position 500, C replaced by T.
Protein change: p.Pro167Leu; replaces proline 167 with leucine.
Molecular consequence: missense variant. On other transcripts: non-coding transcript variant (1).
Genome position (GRCh38, 1-based): chr3:188,609,231, C>T. VCF-style: chr3-188609231-C-T. GRCh37 (hg19) VCF-style: chr3-188327019-C-T.
Other names: c.500C>T, p.Pro167Leu (NM_001167671.3, NM_001167672.3, NM_001375455.1 and 10 more transcripts); short protein forms P167L.
Identifiers: ClinVar variation 788854 (VCV000788854.19), dbSNP rs149437411, ClinGen allele CA2751189.